The following is an entry in ClinVar:

NM_013372.7(GREM1):c.514C>T (p.Arg172Cys)

Gene: GREM1 (gremlin 1, DAN family BMP antagonist; plus strand). Cytogenetic location: 15q13.3.
Variant type: single nucleotide variant.
Coding change: c.514C>T on transcript NM_013372.7 (MANE Select); coding-DNA position 514, C replaced by T.
Protein change: p.Arg172Cys; replaces arginine 172 with cysteine.
Molecular consequence: missense variant.
Genome position (GRCh38, 1-based): chr15:32,731,204, C>T. VCF-style: chr15-32731204-C-T. GRCh37 (hg19) VCF-style: chr15-33023405-C-T.
Other names: c.304C>T, p.Arg102Cys (NM_001191322.2); c.391C>T, p.Arg131Cys (NM_001191323.2); c.514C>T, p.Arg172Cys (NM_001368719.1); short protein forms R102C, R131C, R172C.
Identifiers: ClinVar variation 2566718 (VCV002566718.2), dbSNP rs748146251, ClinGen allele CA7456176.

ClinVar aggregate classification (germline): Uncertain significance (1 of 4 stars; one submission).

Conditions:
Hereditary cancer-predisposing syndrome. Also called: Hereditary neoplastic syndrome; Hereditary Cancer Syndrome; Neoplastic Syndromes, Hereditary; Tumor predisposition. Identifiers: Orphanet 140162, MedGen C0027672, MeSH D009386, MONDO:0015356.

Allele frequency attached by ClinVar (database versions not stated): ExAC 0.00001.
gnomAD v4.1: 2 of 1,614,114 alleles (0.00012%); highest among the groups gnomAD compares: Admixed American, 0.0033%; no homozygotes.

Submission:

Ambry Genetics
Classification: Uncertain significance for Hereditary cancer-predisposing syndrome. Last evaluated: 2023-03-23. Review status: criteria provided, single submitter. Criteria: Ambry Variant Classification Scheme 2023. Collection method: clinical testing. Allele origin: germline.
Comment: The p.R172C variant (also known as c.514C>T), located in coding exon 1 of the GREM1 gene, results from a C to T substitution at nucleotide position 514. The arginine at codon 172 is replaced by cysteine, an amino acid with highly dissimilar properties. This amino acid position is conserved. In addition, the in silico prediction for this alteration is inconclusive. Since supporting evidence is limited at this time, the clinical significance of this alteration remains unclear.